The following is an entry in ClinVar:

ClinVar aggregate classification (germline): Uncertain significance (1 of 4 stars; one submission).

gnomAD v4.1: 8 of 1,613,384 alleles (0.0005%); highest among the groups gnomAD compares: African/African-American, 0.008%; no homozygotes.

Submission:

Labcorp Genetics (formerly Invitae), Labcorp
Classification: Uncertain significance. Last evaluated: 2022-04-28. Review status: criteria provided, single submitter. Criteria: Invitae Variant Classification Sherloc (09022015). Collection method: clinical testing. Allele origin: germline.
Comment: This sequence change replaces aspartic acid, which is acidic and polar, with glutamic acid, which is acidic and polar, at codon 101 of the SKIV2L protein (p.Asp101Glu). This variant is not present in population databases (gnomAD no frequency). This variant has not been reported in the literature in individuals affected with SKIV2L-related conditions. Algorithms developed to predict the effect of missense changes on protein structure and function (SIFT, PolyPhen-2, Align-GVGD) all suggest that this variant is likely to be tolerated. In summary, the available evidence is currently insufficient to determine the role of this variant in disease. Therefore, it has been classified as a Variant of Uncertain Significance.

NM_006929.5(SKIC2):c.303C>A (p.Asp101Glu)

Gene: SKIC2 (SKI2 subunit of superkiller complex; plus strand). Cytogenetic location: 6p21.33.
Variant type: single nucleotide variant.
Coding change: c.303C>A on transcript NM_006929.5 (MANE Select); coding-DNA position 303, C replaced by A.
Protein change: p.Asp101Glu; replaces aspartic acid 101 with glutamic acid.
Molecular consequence: missense variant.
Genome position (GRCh38, 1-based): chr6:31,960,286, C>A. VCF-style: chr6-31960286-C-A. GRCh37 (hg19) VCF-style: chr6-31928063-C-A.
Other names: short protein forms D101E.
Identifiers: ClinVar variation 1908562 (VCV001908562.2), dbSNP rs1375454813, ClinGen allele CA363436128.